The following is an entry in ClinVar:

NM_003190.5(TAPBP):c.1138T>C (p.Tyr380His)

Gene: TAPBP (TAP binding protein; minus strand). Cytogenetic location: 6p21.32.
Variant type: single nucleotide variant.
Coding change: c.1138T>C on transcript NM_003190.5 (MANE Select); coding-DNA position 1138, T replaced by C.
Protein change: p.Tyr380His; replaces tyrosine 380 with histidine.
Molecular consequence: missense variant.
Genome position (GRCh38, 1-based): chr6:33,304,369, A>G on the plus strand (T>C on the coding strand, the complement: TAPBP is on the minus strand). VCF-style: chr6-33304369-A-G. GRCh37 (hg19) VCF-style: chr6-33272146-A-G.
Other names: c.1138T>C, p.Tyr380His (NM_172208.3); c.877T>C, p.Tyr293His (NM_172209.3); short protein forms Y293H, Y380H.
Identifiers: ClinVar variation 1030639 (VCV001030639.1), dbSNP rs1768797475, ClinGen allele CA363688444.

ClinVar aggregate classification (germline): Uncertain significance (1 of 4 stars; one submission).

Conditions:
MHC class I deficiency. Identifiers: Orphanet 34592, MedGen C6024714, MONDO:0011476.

Submission:

Baylor Genetics
Classification: Uncertain significance for MHC class I deficiency 1. Last evaluated: 2020-03-09. Review status: criteria provided, single submitter. Criteria: ACMG Guidelines, 2015. Collection method: clinical testing. Allele origin: unknown. Affected: yes.
Comment: This variant was determined to be of uncertain significance according to ACMG Guidelines, 2015 [PMID:25741868].